The following is an entry in ClinVar:

NM_014918.5(CHSY1):c.539G>A (p.Arg180His)

Gene: CHSY1 (chondroitin sulfate synthase 1; minus strand). Cytogenetic location: 15q26.3.
Variant type: single nucleotide variant.
Coding change: c.539G>A on transcript NM_014918.5 (MANE Select); coding-DNA position 539, G replaced by A.
Protein change: p.Arg180His; replaces arginine 180 with histidine.
Molecular consequence: missense variant.
Genome position (GRCh38, 1-based): chr15:101,235,359, C>T on the plus strand (G>A on the coding strand, the complement: CHSY1 is on the minus strand). VCF-style: chr15-101235359-C-T. GRCh37 (hg19) VCF-style: chr15-101775564-C-T.
Other names: c.539G>A (NM_014918.4); short protein forms R180H.
Identifiers: ClinVar variation 1423054 (VCV001423054.4), dbSNP rs770812991, ClinGen allele CA7762705.

ClinVar aggregate classification (germline): Uncertain significance. Review status: criteria provided, multiple submitters, no conflicts (2 of 4 stars). 2 submissions from 2 submitters: Uncertain significance (2). Last evaluated 2021-11-07.

Conditions:
Inborn genetic diseases. Identifiers: MedGen C0950123, MeSH D030342.
Temtamy preaxial brachydactyly syndrome (TPBS). Identifiers: Orphanet 363417, MedGen C1854466, MONDO:0011533, OMIM 605282.

Allele frequency attached by ClinVar (database versions not stated): gnomAD 0.00009; TOPMed 0.00010; 1000 Genomes Project 30x 0.00016.

Submissions (2):

Labcorp Genetics (formerly Invitae), Labcorp
Classification: Uncertain significance for Temtamy preaxial brachydactyly syndrome. Last evaluated: 2021-11-07. Review status: criteria provided, single submitter. Criteria: Invitae Variant Classification Sherloc (09022015). Collection method: clinical testing. Allele origin: germline.
Comment: This sequence change replaces arginine, which is basic and polar, with histidine, which is basic and polar, at codon 180 of the CHSY1 protein (p.Arg180His). This variant is present in population databases (rs770812991, gnomAD 0.2%). This variant has not been reported in the literature in individuals affected with CHSY1-related conditions. Algorithms developed to predict the effect of missense changes on protein structure and function are either unavailable or do not agree on the potential impact of this missense change (SIFT: "Deleterious"; PolyPhen-2: "Benign"; Align-GVGD: "Class C0"). In summary, the available evidence is currently insufficient to determine the role of this variant in disease. Therefore, it has been classified as a Variant of Uncertain Significance.

Ambry Genetics
Classification: Uncertain significance for Inborn genetic diseases. Last evaluated: 2021-05-03. Review status: criteria provided, single submitter. Criteria: Ambry Variant Classification Scheme 2023. Collection method: clinical testing. Allele origin: germline.